The following is an entry in ClinVar:

NM_018076.5(ODAD2):c.1267_1268del (p.Thr422_Val423insTer)

Gene: ODAD2 (outer dynein arm docking complex subunit 2; minus strand). Cytogenetic location: 10p12.1.
Variant type: Deletion.
Coding change: c.1267_1268del on transcript NM_018076.5 (MANE Select); coding-DNA positions 1267 to 1268, 2 bases deleted (GT; older notation c.1267_1268delGT).
Protein change: p.Thr422_Val423insTer.
Molecular consequence: nonsense. On other transcripts: 5 prime UTR variant (1).
Genome position (GRCh38, 1-based): chr10:27,961,686-27,961,687, AC deleted on the plus strand (GT on the coding strand, the reverse complement: ODAD2 is on the minus strand); deleting any 2 consecutive bases within chr10:27,961,686-27,961,688 gives the same sequence; the c. name uses the placement nearest the transcript's 3' end. VCF-style (leftmost placement, unchanged base first): chr10-27961685-AAC-A. GRCh37 (hg19) VCF-style: chr10-28250614-AAC-A.
Other names: c.1267_1268del, p.Thr422_Val423insTer (NM_001290020.2); c.-159_-158del (NM_001290021.2); c.343_344del, p.Thr114_Val115insTer (NM_001312689.2).
Identifiers: ClinVar variation 474571 (VCV000474571.6), dbSNP rs1409069267, ClinGen allele CA658657956.

ClinVar aggregate classification (germline): Pathogenic (1 of 4 stars; one submission).

Conditions:
Primary ciliary dyskinesia 23 (CILD23). Also called: CILIARY DYSKINESIA, PRIMARY, 23, WITH OR WITHOUT SITUS INVERSUS. Identifiers: Orphanet 244, MedGen C3809548, MONDO:0014193, OMIM 615451.

Submission:

Labcorp Genetics (formerly Invitae), Labcorp
Classification: Pathogenic for Primary ciliary dyskinesia 23. Last evaluated: 2022-08-16. Review status: criteria provided, single submitter. Criteria: Invitae Variant Classification Sherloc (09022015). Collection method: clinical testing. Allele origin: germline.
Comment: ClinVar contains an entry for this variant (Variation ID: 474571). For these reasons, this variant has been classified as Pathogenic. This variant has not been reported in the literature in individuals affected with ARMC4-related conditions. This variant is not present in population databases (gnomAD no frequency). This sequence change creates a premature translational stop signal (p.Val423*) in the ARMC4 gene. It is expected to result in an absent or disrupted protein product. Loss-of-function variants in ARMC4 are known to be pathogenic (PMID: 23849778).

Literature cited by the submitters: PubMed 23849778.